The following is an entry in ClinVar:

NM_138393.4(REEP6):c.505A>G (p.Ile169Val)

Gene: REEP6 (receptor accessory protein 6; plus strand). Cytogenetic location: 19p13.3.
Variant type: single nucleotide variant.
Coding change: c.505A>G on transcript NM_138393.4 (MANE Select); coding-DNA position 505, A replaced by G.
Protein change: p.Ile169Val; replaces isoleucine 169 with valine.
Molecular consequence: missense variant.
Genome position (GRCh38, 1-based): chr19:1,496,441, A>G. VCF-style: chr19-1496441-A-G. GRCh37 (hg19) VCF-style: chr19-1496440-A-G.
Other names: c.505A>G, p.Ile169Val (NM_001329556.3); short protein forms I169V.
Identifiers: ClinVar variation 1026942 (VCV001026942.27), dbSNP rs772765504, ClinGen allele CA9047600.

ClinVar aggregate classification (germline): Uncertain significance. Review status: criteria provided, multiple submitters, no conflicts (2 of 4 stars). 2 submissions from 2 submitters: Uncertain significance (2). Last evaluated 2022-09-19.

Allele frequency attached by ClinVar (database versions not stated): ExAC 0.00001; gnomAD exomes 0.00001; gnomAD 0.00002; TOPMed 0.00002.
gnomAD v4.1: 19 of 1,611,998 alleles (0.0012%); highest among the groups gnomAD compares: Admixed American, 0.0017%; no homozygotes.

Submissions (2):

Labcorp Genetics (formerly Invitae), Labcorp
Classification: Uncertain significance. Last evaluated: 2022-09-19. Review status: criteria provided, single submitter. Criteria: Invitae Variant Classification Sherloc (09022015). Collection method: clinical testing. Allele origin: germline.
Comment: This sequence change replaces isoleucine with valine at codon 169 of the REEP6 protein (p.Ile169Val). The isoleucine residue is weakly conserved and there is a small physicochemical difference between isoleucine and valine. This variant is present in population databases (rs772765504, gnomAD 0.003%). This variant has not been reported in the literature in individuals affected with REEP6-related conditions. ClinVar contains an entry for this variant (Variation ID: 1026942). Experimental studies and prediction algorithms are not available or were not evaluated, and the functional significance of this variant is currently unknown. In summary, the available evidence is currently insufficient to determine the role of this variant in disease. Therefore, it has been classified as a Variant of Uncertain Significance.

CeGaT Center for Human Genetics Tuebingen
Classification: Uncertain significance. Last evaluated: 2022-04-01. Review status: criteria provided, single submitter. Criteria: CeGaT Center For Human Genetics Tuebingen Variant Classification Criteria Version 2. Collection method: clinical testing. Allele origin: germline. Affected: yes. Observed: 1 variant allele.
Comment: REEP6: PM2:Supporting, BP4